The following is an entry in ClinVar:

NM_001291415.2(KDM6A):c.2720A>G (p.Asn907Ser)

Gene: KDM6A (lysine demethylase 6A; plus strand). Cytogenetic location: Xp11.3.
Variant type: single nucleotide variant.
Coding change: c.2720A>G on transcript NM_001291415.2 (MANE Select); coding-DNA position 2720, A replaced by G.
Protein change: p.Asn907Ser; replaces asparagine 907 with serine.
Molecular consequence: missense variant. On other transcripts: non-coding transcript variant (1).
Genome position (GRCh38, 1-based): chrX:45,070,219, A>G. VCF-style: chrX-45070219-A-G. GRCh37 (hg19) VCF-style: chrX-44929464-A-G.
Other names: c.2585A>G, p.Asn862Ser (NM_001291416.2, NM_001419811.1); c.2429A>G, p.Asn810Ser (NM_001291417.2); c.2327A>G, p.Asn776Ser (NM_001291418.2, NM_001419815.1); c.1676A>G, p.Asn559Ser (NM_001291421.2); c.2462A>G, p.Asn821Ser (NM_001410742.1, NM_001419814.1); c.2720A>G, p.Asn907Ser (NM_001419809.1); c.2618A>G, p.Asn873Ser (NM_001419810.1, NM_001419813.1); c.2564A>G, p.Asn855Ser (NM_001419812.1, NM_021140.4); short protein forms N776S, N810S, N821S, N855S, N873S, N907S, N559S, N862S.
Identifiers: ClinVar variation 2978963 (VCV002978963.3), dbSNP rs2148054635, ClinGen allele CA412795562.

ClinVar aggregate classification (germline): Uncertain significance (1 of 4 stars; one submission).

Conditions:
Kabuki syndrome 2 (KABUK2). Also called: KDM6A-Related Kabuki Syndrome. Identifiers: Orphanet 2322, MedGen C3275495, MONDO:0010465, OMIM 300867.

Submission:

Labcorp Genetics (formerly Invitae), Labcorp
Classification: Uncertain significance for Kabuki syndrome 2. Last evaluated: 2023-07-24. Review status: criteria provided, single submitter. Criteria: Invitae Variant Classification Sherloc (09022015). Collection method: clinical testing. Allele origin: germline.
Comment: In summary, the available evidence is currently insufficient to determine the role of this variant in disease. Therefore, it has been classified as a Variant of Uncertain Significance. Advanced modeling of protein sequence and biophysical properties (such as structural, functional, and spatial information, amino acid conservation, physicochemical variation, residue mobility, and thermodynamic stability) performed at Invitae indicates that this missense variant is not expected to disrupt KDM6A protein function. This variant has not been reported in the literature in individuals affected with KDM6A-related conditions. This variant is not present in population databases (gnomAD no frequency). This sequence change replaces asparagine, which is neutral and polar, with serine, which is neutral and polar, at codon 855 of the KDM6A protein (p.Asn855Ser).